The following is an entry in ClinVar:

ClinVar aggregate classification (germline): Uncertain significance (1 of 4 stars; one submission).

Conditions:
Papillary renal cell carcinoma type 1 (RCCP1). Also called: Renal adenocarcinoma; Renal cell carcinoma 1; Renal cell carcinoma, somatic; RENAL CELL CARCINOMA, PAPILLARY, 1, SOMATIC. Identifiers: Orphanet 47044, MedGen C1336839, OMIM 605074, HP:0011797.

Submission:

Labcorp Genetics (formerly Invitae), Labcorp
Classification: Uncertain significance for Renal cell carcinoma, papillary, 1. Last evaluated: 2019-06-19. Review status: criteria provided, single submitter. Criteria: Invitae Variant Classification Sherloc (09022015). Collection method: clinical testing. Allele origin: germline.
Comment: A gross deletion of the genomic region encompassing the full coding sequence of the MET gene has been identified. The boundaries of this event are unknown as the deletion extends beyond the assayed region for this gene and therefore may encompass additional genes. This variant has not been reported in the literature in individuals with MET-related conditions. The current clinical and genetic evidence is not sufficient to establish whether loss-of-function variants in MET cause disease. In summary, the available evidence is currently insufficient to determine the role of this variant in disease. Therefore, it has been classified as a Variant of Uncertain Significance.

NC_000007.14:g.(?_116699075)_(117667118_?)del

Genes: ST7 (suppression of tumorigenicity 7; plus strand), CFTR (CF transmembrane conductance regulator; plus strand), WNT2 (Wnt family member 2; minus strand), MET (MET proto-oncogene, receptor tyrosine kinase; plus strand), ST7-OT4 (ST7 overlapping transcript 4; plus strand) and 4 more. Cytogenetic location: 7q31.2.
Variant type: Deletion.
Identifiers: ClinVar variation 832473 (VCV000832473.1).